The following is an entry in ClinVar:

NM_001085.5(SERPINA3):c.1014C>T (p.Thr338=)

Gene: SERPINA3 (serpin family A member 3; plus strand). Cytogenetic location: 14q32.13.
Variant type: single nucleotide variant.
Coding change: c.1014C>T on transcript NM_001085.5 (MANE Select); coding-DNA position 1014, C replaced by T.
Protein change: p.Thr338=; no amino-acid change (threonine 338 retained).
Molecular consequence: synonymous variant.
Genome position (GRCh38, 1-based): chr14:94,622,437, C>T. VCF-style: chr14-94622437-C-T. GRCh37 (hg19) VCF-style: chr14-95088774-C-T.
Other names: c.1014C>T, p.Thr338= (NM_001384672.1, NM_001384673.1, NM_001384674.1).
Identifiers: ClinVar variation 2672567 (VCV002672567.23), dbSNP rs1886236068, ClinGen allele CA487625384.

ClinVar aggregate classification (germline): Likely benign (1 of 4 stars; one submission).

Submission:

CeGaT Center for Human Genetics Tuebingen
Classification: Likely benign. Last evaluated: 2023-10-01. Review status: criteria provided, single submitter. Criteria: CeGaT Center For Human Genetics Tuebingen Variant Classification Criteria Version 2. Collection method: clinical testing. Allele origin: germline. Affected: yes. Observed: 1 variant allele.
Comment: SERPINA3: PM2:Supporting, BP4, BP7